The following is an entry in ClinVar:

ClinVar aggregate classification (germline): Pathogenic (1 of 4 stars; one submission).

Conditions:
LAMA2-related muscular dystrophy (LAMA2-RD). Also called: Laminin alpha 2-related dystrophy. Identifiers: MedGen C5679788, MONDO:0100228.

Submission:

Labcorp Genetics (formerly Invitae), Labcorp
Classification: Pathogenic for LAMA2-related muscular dystrophy. Last evaluated: 2023-04-28. Review status: criteria provided, single submitter. Criteria: Invitae Variant Classification Sherloc (09022015). Collection method: clinical testing. Allele origin: germline.
Comment: For these reasons, this variant has been classified as Pathogenic. This variant has not been reported in the literature in individuals affected with LAMA2-related conditions. This variant is not present in population databases (gnomAD no frequency). This sequence change creates a premature translational stop signal (p.Thr955Trpfs*22) in the LAMA2 gene. It is expected to result in an absent or disrupted protein product. Loss-of-function variants in LAMA2 are known to be pathogenic (PMID: 18700894, 32904964).

Literature cited by the submitters: PubMed 18700894; PubMed 32904964.

NM_000426.4(LAMA2):c.2859_2862dup (p.Thr955fs)

Gene: LAMA2 (laminin subunit alpha 2; plus strand). Cytogenetic location: 6q22.33.
Variant type: Duplication.
Coding change: c.2859_2862dup on transcript NM_000426.4 (MANE Select); coding-DNA positions 2859 to 2862, 4 bases duplicated (TGGG; older notation c.2859_2862dupTGGG).
Protein change: p.Thr955fs; shifts the reading frame from threonine 955.
Molecular consequence: frameshift variant.
Genome position (GRCh38, 1-based): chr6:129,297,687-129,297,690, TGGG duplicated. VCF-style (leftmost placement, unchanged base first): chr6-129297686-C-CTGGG. GRCh37 (hg19) VCF-style: chr6-129618831-C-CTGGG.
Other names: c.2859_2862dup, p.Thr955fs (NM_001079823.2); short protein forms T955fs.
Identifiers: ClinVar variation 2860218 (VCV002860218.3), dbSNP rs2482334653, ClinGen allele CA2739266093.